The following is an entry in ClinVar:

NM_013335.4(GMPPA):c.46C>T (p.Arg16Cys)

Genes: ASIC4-AS1 (ASIC4 antisense RNA 1; minus strand), GMPPA (GDP-mannose pyrophosphorylase A; plus strand). Cytogenetic location: 2q35.
Variant type: single nucleotide variant.
Coding change: c.46C>T on transcript NM_013335.4 (MANE Select); coding-DNA position 46, C replaced by T.
Protein change: p.Arg16Cys; replaces arginine 16 with cysteine.
Molecular consequence: missense variant.
Genome position (GRCh38, 1-based): chr2:219,500,126, C>T. VCF-style: chr2-219500126-C-T. GRCh37 (hg19) VCF-style: chr2-220364848-C-T.
Other names: c.46C>T, p.Arg16Cys (NM_001374294.1, NM_001374295.1, NM_205847.3); short protein forms R16C.
Identifiers: ClinVar variation 2379212 (VCV002379212.5), dbSNP rs201552488, ClinGen allele CA2128024.

ClinVar aggregate classification (germline): Uncertain significance. Review status: criteria provided, multiple submitters, no conflicts (2 of 4 stars). 2 submissions from 2 submitters: Uncertain significance (2). Last evaluated 2024-06-03.

Conditions:
Alacrima, achalasia, and impaired intellectual development syndrome. Also called: Alacrima, achalasia, and intellectual disability syndrome; Alacrima, achalasia, and mental retardation syndrome. Identifiers: Orphanet 869, MedGen C4706563, MONDO:0014219, OMIM 615510.
Inborn genetic diseases. Identifiers: MedGen C0950123, MeSH D030342.

Allele frequency attached by ClinVar (database versions not stated): ExAC 0.00020; gnomAD 0.00022; TOPMed 0.00023; gnomAD exomes 0.00034.
gnomAD v4.1: 537 of 1,604,584 alleles (0.033%); highest among the groups gnomAD compares: Non-Finnish European, 0.042%; no homozygotes.

Submissions (2):

Ambry Genetics
Classification: Uncertain significance for Inborn genetic diseases. Last evaluated: 2024-06-03. Review status: criteria provided, single submitter. Criteria: Ambry Variant Classification Scheme 2023. Collection method: clinical testing. Allele origin: germline.

Labcorp Genetics (formerly Invitae), Labcorp
Classification: Uncertain significance for Alacrima, achalasia, and impaired intellectual development syndrome. Last evaluated: 2024-03-05. Review status: criteria provided, single submitter. Criteria: Invitae Variant Classification Sherloc (09022015). Collection method: clinical testing. Allele origin: germline.
Comment: This sequence change replaces arginine, which is basic and polar, with cysteine, which is neutral and slightly polar, at codon 16 of the GMPPA protein (p.Arg16Cys). This variant is present in population databases (rs201552488, gnomAD 0.02%). This variant has not been reported in the literature in individuals affected with GMPPA-related conditions. ClinVar contains an entry for this variant (Variation ID: 2379212). Advanced modeling of protein sequence and biophysical properties (such as structural, functional, and spatial information, amino acid conservation, physicochemical variation, residue mobility, and thermodynamic stability) performed at Invitae indicates that this missense variant is expected to disrupt GMPPA protein function with a positive predictive value of 80%. In summary, the available evidence is currently insufficient to determine the role of this variant in disease. Therefore, it has been classified as a Variant of Uncertain Significance.